The following is an entry in ClinVar:

ClinVar aggregate classification (germline): Uncertain significance (1 of 4 stars; one submission).

Conditions:
Cornelia de Lange syndrome 3 (CDLS3). Also called: SMC3-Related Cornelia de Lange Syndrome; CORNELIA DE LANGE SYNDROME 3 WITH OR WITHOUT MIDLINE BRAIN DEFECTS. Identifiers: Orphanet 199, MedGen C1853099, MONDO:0012555, OMIM 610759.

gnomAD v4.1: 1 of 1,614,052 alleles (0.000062%); highest among the groups gnomAD compares: Non-Finnish European, 0.000085%; no homozygotes.

Submission:

Labcorp Genetics (formerly Invitae), Labcorp
Classification: Uncertain significance for Cornelia de Lange syndrome 3. Last evaluated: 2025-06-16. Review status: criteria provided, single submitter. Criteria: Invitae Variant Classification Sherloc (09022015). Collection method: clinical testing. Allele origin: germline.
Comment: This sequence change affects codon 763 of the SMC3 mRNA. It is a 'silent' change, meaning that it does not change the encoded amino acid sequence of the SMC3 protein. This variant is not present in population databases (gnomAD no frequency). This variant has not been reported in the literature in individuals affected with SMC3-related conditions. ClinVar contains an entry for this variant (Variation ID: 3707770). Algorithms developed to predict the effect of sequence changes on RNA splicing suggest that this variant may disrupt the consensus splice site. In summary, the available evidence is currently insufficient to determine the role of this variant in disease. Therefore, it has been classified as a Variant of Uncertain Significance.

NM_005445.4(SMC3):c.2289G>A (p.Leu763=)

Gene: SMC3 (structural maintenance of chromosomes 3; plus strand). Cytogenetic location: 10q25.2.
Variant type: single nucleotide variant.
Coding change: c.2289G>A on transcript NM_005445.4 (MANE Select); coding-DNA position 2289, G replaced by A.
Protein change: p.Leu763=; no amino-acid change (leucine 763 retained).
Molecular consequence: synonymous variant.
Genome position (GRCh38, 1-based): chr10:110,599,674, G>A. VCF-style: chr10-110599674-G-A. GRCh37 (hg19) VCF-style: chr10-112359432-G-A.
Identifiers: ClinVar variation 3707770 (VCV003707770.2).
Genomic context (GRCh38, chr10:110,599,674, plus strand): 5'-GTGGCTAATACCTTACTAATAAATGGATAATGTCATATAGCAACGTAGCTTACAGAGTTT[G>A]GAGGCAAGCTTGCATGCTATGGAGTCTACCAGAGAGTCATTGAAAGCAGAACTGGGAACT-3'
Protein context (NP_005436.1, residues 753-773): FMPKQRSLQS[Leu763=]EASLHAMEST